The following is an entry in ClinVar:

NM_198253.3(TERT):c.1546G>A (p.Asp516Asn)

Gene: TERT (telomerase reverse transcriptase; minus strand). Cytogenetic location: 5p15.33.
Variant type: single nucleotide variant.
Coding change: c.1546G>A on transcript NM_198253.3 (MANE Select); coding-DNA position 1546, G replaced by A.
Protein change: p.Asp516Asn; replaces aspartic acid 516 with asparagine.
Molecular consequence: missense variant. On other transcripts: non-coding transcript variant (2).
Genome position (GRCh38, 1-based): chr5:1,293,340, C>T on the plus strand (G>A on the coding strand, the complement: TERT is on the minus strand). VCF-style: chr5-1293340-C-T. GRCh37 (hg19) VCF-style: chr5-1293455-C-T.
Other names: c.1546G>A, p.Asp516Asn (NM_001193376.3); short protein forms D516N.
Identifiers: ClinVar variation 1692099 (VCV001692099.6), dbSNP rs1156765768, ClinGen allele CA359085087.

ClinVar aggregate classification (germline): Uncertain significance. Review status: criteria provided, multiple submitters, no conflicts (2 of 4 stars). 2 submissions from 2 submitters: Uncertain significance (2). Last evaluated 2022-08-06.

Conditions:
Dyskeratosis congenita. Identifiers: Orphanet 1775, MedGen C0265965, MONDO:0015780.
Dyskeratosis congenita, autosomal dominant 2. Identifiers: MedGen C3151443, MONDO:0013521, OMIM 613989.
Idiopathic Pulmonary Fibrosis. Also called: Idiopathic fibrosing alveolitis, chronic form; idiopathic fibrosing alveolitis. Identifiers: Orphanet 2032, MedGen C1800706, MeSH D054990, MONDO:0800504.

Submissions (2):

Labcorp Genetics (formerly Invitae), Labcorp
Classification: Uncertain significance for Dyskeratosis congenita, autosomal dominant 2; Idiopathic Pulmonary Fibrosis. Last evaluated: 2022-08-06. Review status: criteria provided, single submitter. Criteria: Invitae Variant Classification Sherloc (09022015). Collection method: clinical testing. Allele origin: germline.
Comment: This sequence change replaces aspartic acid, which is acidic and polar, with asparagine, which is neutral and polar, at codon 516 of the TERT protein (p.Asp516Asn). In summary, the available evidence is currently insufficient to determine the role of this variant in disease. Therefore, it has been classified as a Variant of Uncertain Significance. Advanced modeling of protein sequence and biophysical properties (such as structural, functional, and spatial information, amino acid conservation, physicochemical variation, residue mobility, and thermodynamic stability) performed at Invitae indicates that this missense variant is expected to disrupt TERT protein function. ClinVar contains an entry for this variant (Variation ID: 1692099). This variant has not been reported in the literature in individuals affected with TERT-related conditions. This variant is not present in population databases (gnomAD no frequency).

Sema4
Classification: Uncertain significance for Dyskeratosis congenita. Last evaluated: 2022-02-07. Review status: criteria provided, single submitter. Criteria: Sema4 Curation Guidelines. Collection method: curation. Allele origin: germline.
Comment: The TERT c.1546G>A (p.D516N) variant has not been reported in the literature to our knowledge. This variant is not reported in the large and broad cohorts of the population database Genome Aggregation Database (PMID: 32461654). The variant has not been reported in ClinVar. Functional studies have not been performed, and in silico predictions of the variant's effect on protein function are inconclusive. The evidence is insufficient to meet ACMG/AMP criteria for classifying the variant as benign or pathogenic. Thus, the clinical significance of this variant is currently uncertain.